The following is an entry in ClinVar:

NM_078470.6(COX15):c.747C>T (p.His249=)

Gene: COX15 (cytochrome c oxidase assembly factor COX15; minus strand). Cytogenetic location: 10q24.2.
Variant type: single nucleotide variant.
Coding change: c.747C>T on transcript NM_078470.6 (MANE Select); coding-DNA position 747, C replaced by T.
Protein change: p.His249=; no amino-acid change (histidine 249 retained).
Molecular consequence: synonymous variant. On other transcripts: non-coding transcript variant (1).
Genome position (GRCh38, 1-based): chr10:99,723,959, G>A on the plus strand (C>T on the coding strand, the complement: COX15 is on the minus strand). VCF-style: chr10-99723959-G-A. GRCh37 (hg19) VCF-style: chr10-101483716-G-A.
Other names: c.747C>T, p.His249= (NM_001320974.2, NM_001320975.2, NM_001372024.1 and 5 more transcripts); c.210C>T, p.His70= (NM_001320976.2); c.747C>T (NM_004376.6).
Identifiers: ClinVar variation 1911869 (VCV001911869.6), dbSNP rs748131433, ClinGen allele CA5642195.

ClinVar aggregate classification (germline): Likely benign. Review status: criteria provided, single submitter (1 of 4 stars). 2 submissions from 2 submitters: Likely benign (1). 1 of the submissions does not count toward it. Last evaluated 2025-01-13.

Conditions:
COX15-related disorder. Also called: COX15-related condition.

Allele frequency attached by ClinVar (database versions not stated): gnomAD 0.00001; gnomAD exomes 0.00001; TOPMed 0.00001; ExAC 0.00002.
gnomAD v4.1: 9 of 1,613,638 alleles (0.00056%); highest among the groups gnomAD compares: Admixed American, 0.015%; no homozygotes.

Submissions (2):

Labcorp Genetics (formerly Invitae), Labcorp
Classification: Likely benign. Last evaluated: 2025-01-13. Review status: criteria provided, single submitter. Criteria: Invitae Variant Classification Sherloc (09022015). Collection method: clinical testing. Allele origin: germline.

PreventionGenetics, part of Exact Sciences
Classification: Likely benign for COX15-related condition. Last evaluated: 2019-04-29. Review status: no assertion criteria provided. Collection method: clinical testing. Allele origin: germline. Not counted in ClinVar's aggregate classification.
Comment: This variant is classified as likely benign based on ACMG/AMP sequence variant interpretation guidelines (Richards et al. 2015 PMID: 25741868, with internal and published modifications).